The following is an entry in ClinVar:

NM_017636.4(TRPM4):c.988G>A (p.Glu330Lys)

Gene: TRPM4 (transient receptor potential cation channel subfamily M member 4; plus strand). Cytogenetic location: 19q13.33.
Variant type: single nucleotide variant.
Coding change: c.988G>A on transcript NM_017636.4 (MANE Select); coding-DNA position 988, G replaced by A.
Protein change: p.Glu330Lys; replaces glutamic acid 330 with lysine.
Molecular consequence: missense variant. On other transcripts: 5 prime UTR variant (1).
Genome position (GRCh38, 1-based): chr19:49,171,707, G>A. VCF-style: chr19-49171707-G-A. GRCh37 (hg19) VCF-style: chr19-49674964-G-A.
Other names: c.988G>A, p.Glu330Lys (NM_001195227.2); c.643G>A, p.Glu215Lys (NM_001321281.2); c.-566G>A (NM_001321282.2); c.466G>A, p.Glu156Lys (NM_001321283.2); c.139G>A, p.Glu47Lys (NM_001321285.2); short protein forms E330K, E156K, E47K, E215K.
Identifiers: ClinVar variation 329851 (VCV000329851.48), dbSNP rs145771389, ClinGen allele CA9569032.

ClinVar aggregate classification (germline): Conflicting classifications of pathogenicity. Review status: criteria provided, conflicting classifications (1 of 4 stars). 9 submissions from 9 submitters: Uncertain significance (1); Likely benign (7). 1 of the submissions does not count toward it. Last evaluated 2026-01-15.

Conditions:
TRPM4-related disorder. Also called: TRPM4-related disorders; TRPM4-related condition. Identifiers: MedGen CN239424.
Cardiovascular phenotype. Identifiers: MedGen CN230736.
Progressive familial heart block type IB (PFHB1B). Identifiers: Orphanet 871, MedGen C1970298, MONDO:0011474, OMIM 604559.

Allele frequency attached by ClinVar (database versions not stated): gnomAD exomes 0.00011 and 0.00033; ExAC 0.00036; ESP Exome Variant Server 0.00085; gnomAD 0.00113 and 0.00118; TOPMed 0.00132; 1000 Genomes Project 30x 0.00156; 1000 Genomes Project 0.00160.
gnomAD v4.1: 346 of 1,613,888 alleles (0.021%); highest among the groups gnomAD compares: African/African-American, 0.35%; 2 homozygotes.

Submissions (9):

Labcorp Genetics (formerly Invitae), Labcorp
Classification: Likely benign for Progressive familial heart block type IB. Last evaluated: 2026-01-15. Review status: criteria provided, single submitter. Criteria: Invitae Variant Classification Sherloc (09022015). Collection method: clinical testing. Allele origin: germline.

Blueprint Genetics
Classification: Likely benign. Last evaluated: 2024-11-26. Review status: criteria provided, single submitter. Criteria: ACMG Guidelines, 2015. Collection method: clinical testing. Allele origin: germline.

Women's Health and Genetics/Laboratory Corporation of America, LabCorp
Classification: Likely benign. Last evaluated: 2024-01-22. Review status: criteria provided, single submitter. Criteria: LabCorp Variant Classification Summary - May 2015. Collection method: clinical testing. Allele origin: germline.

CeGaT Center for Human Genetics Tuebingen
Classification: Likely benign. Last evaluated: 2023-03-01. Review status: criteria provided, single submitter. Criteria: CeGaT Center For Human Genetics Tuebingen Variant Classification Criteria Version 2. Collection method: clinical testing. Allele origin: germline. Affected: yes. Observed: 1 variant allele.
Comment: TRPM4: BS1

GeneDx
Classification: Likely benign. Last evaluated: 2020-07-16. Review status: criteria provided, single submitter. Criteria: GeneDx Variant Classification Process June 2021. Collection method: clinical testing. Allele origin: germline. Affected: yes.

Ambry Genetics
Classification: Likely benign for Cardiovascular phenotype. Last evaluated: 2018-09-21. Review status: criteria provided, single submitter. Criteria: Ambry Variant Classification Scheme 2023. Collection method: clinical testing. Allele origin: germline.

Illumina Laboratory Services, Illumina
Classification: Uncertain significance for Progressive familial heart block type IB. Last evaluated: 2018-01-13. Review status: criteria provided, single submitter. Criteria: ICSL Variant Classification Criteria 13 December 2019. Collection method: clinical testing. Allele origin: germline.

Molecular Diagnostic Laboratory for Inherited Cardiovascular Disease, Montreal Heart Institute
Classification: Likely benign. Last evaluated: 2017-06-28. Review status: criteria provided, single submitter. Criteria: ACMG Guidelines, 2015. Collection method: clinical testing. Allele origin: germline. Affected: yes.

PreventionGenetics, part of Exact Sciences
Classification: Likely benign for TRPM4-related condition. Last evaluated: 2021-01-18. Review status: no assertion criteria provided. Collection method: clinical testing. Allele origin: germline. Not counted in ClinVar's aggregate classification.
Comment: This variant is classified as likely benign based on ACMG/AMP sequence variant interpretation guidelines (Richards et al. 2015 PMID: 25741868, with internal and published modifications).